The following is an entry in ClinVar:

ClinVar aggregate classification (germline): Uncertain significance. Review status: criteria provided, multiple submitters, no conflicts (2 of 4 stars). 2 submissions from 2 submitters: Uncertain significance (2). Last evaluated 2025-06-13.

Conditions:
Hereditary cancer-predisposing syndrome. Also called: Tumor predisposition; Hereditary neoplastic syndrome; Neoplastic Syndromes, Hereditary; Hereditary Cancer Syndrome. Identifiers: Orphanet 140162, MedGen C0027672, MeSH D009386, MONDO:0015356.
Gorlin syndrome. Also called: Nevoid Basal Cell Carcinoma Syndrome; Basal cell nevus syndrome. Identifiers: Orphanet 377, MedGen C0004779, MONDO:0007187.

Allele frequency attached by ClinVar (database versions not stated): gnomAD exomes below 0.00001.
gnomAD v4.1: 2 of 1,614,172 alleles (0.00012%); highest among the groups gnomAD compares: Non-Finnish European, 0.00017%; no homozygotes.

Submissions (2):

Ambry Genetics
Classification: Uncertain significance for Hereditary cancer-predisposing syndrome. Last evaluated: 2025-06-13. Review status: criteria provided, single submitter. Criteria: Ambry Variant Classification Scheme 2023. Collection method: clinical testing. Allele origin: germline.
Comment: The p.G774R variant (also known as c.2320G>A), located in coding exon 15 of the PTCH1 gene, results from a G to A substitution at nucleotide position 2320. The glycine at codon 774 is replaced by arginine, an amino acid with dissimilar properties. In one study, this alteration was identified in an individual with multiple basal cell carcinomas who did not meet NBCCS diagnostic criteria (Soufir N et al. Br J Cancer, 2006 Aug;95:548-53). This amino acid position is highly conserved in available vertebrate species. In addition, this alteration is predicted to be deleterious by in silico analysis. Since supporting evidence is limited at this time, the clinical significance of this alteration remains unclear.

Labcorp Genetics (formerly Invitae), Labcorp
Classification: Uncertain significance for Gorlin syndrome. Last evaluated: 2024-02-02. Review status: criteria provided, single submitter. Criteria: Invitae Variant Classification Sherloc (09022015). Collection method: clinical testing. Allele origin: germline.
Comment: This sequence change replaces glycine, which is neutral and non-polar, with arginine, which is basic and polar, at codon 774 of the PTCH1 protein (p.Gly774Arg). This variant is not present in population databases (gnomAD no frequency). This missense change has been observed in individual(s) with multiple basal cell carcinomas (PMID: 16909134). ClinVar contains an entry for this variant (Variation ID: 1505872). Advanced modeling of protein sequence and biophysical properties (such as structural, functional, and spatial information, amino acid conservation, physicochemical variation, residue mobility, and thermodynamic stability) performed at Invitae indicates that this missense variant is expected to disrupt PTCH1 protein function with a positive predictive value of 95%. In summary, the available evidence is currently insufficient to determine the role of this variant in disease. Therefore, it has been classified as a Variant of Uncertain Significance.

Literature cited by the submitters: PubMed 16909134 (cited by Ambry Genetics and Labcorp Genetics (formerly Invitae), Labcorp).

NM_000264.5(PTCH1):c.2320G>A (p.Gly774Arg)

Genes: PTCH1 (patched 1; minus strand), LOC100507346 (uncharacterized LOC100507346; plus strand). Cytogenetic location: 9q22.32.
Variant type: single nucleotide variant.
Coding change: c.2320G>A on transcript NM_000264.5 (MANE Select); coding-DNA position 2320, G replaced by A.
Protein change: p.Gly774Arg; replaces glycine 774 with arginine.
Molecular consequence: missense variant. On other transcripts: non-coding transcript variant (1).
Genome position (GRCh38, 1-based): chr9:95,467,356, C>T on the plus strand (G>A on the coding strand, the complement: PTCH1 is on the minus strand). VCF-style: chr9-95467356-C-T. GRCh37 (hg19) VCF-style: chr9-98229638-C-T.
Other names: c.2122G>A, p.Gly708Arg (NM_001083602.3); c.2317G>A, p.Gly773Arg (NM_001083603.3); c.1867G>A, p.Gly623Arg (NM_001083604.3, NM_001083605.3, NM_001083606.3 and 1 more transcripts); c.2164G>A, p.Gly722Arg (NM_001354918.2); short protein forms G708R, G773R, G623R, G722R, G774R.
Identifiers: ClinVar variation 1505872 (VCV001505872.9), dbSNP rs2117971100, ClinGen allele CA374114611.